The following is an entry in ClinVar:

ClinVar aggregate classification (germline): Uncertain significance (1 of 4 stars; one submission).

Conditions:
Wilson disease (WND). Also called: Wilson's disease. Identifiers: Orphanet 905, MedGen C0019202, MONDO:0010200, OMIM 277900. Disease mechanism: loss of function.

gnomAD v4.1: 3 of 1,614,216 alleles (0.00019%); highest among the groups gnomAD compares: Non-Finnish European, 0.00025%; no homozygotes.

Submission:

Color Diagnostics, LLC DBA Color Health
Classification: Uncertain significance for Wilson disease. Last evaluated: 2025-08-10. Review status: criteria provided, single submitter. Criteria: ACMG Guidelines, 2015. Collection method: clinical testing. Allele origin: germline.
Comment: This missense variant replaces leucine with arginine at codon 1147 of the ATP7B protein. Computational prediction suggests that this variant may have deleterious impact on protein structure and function. To our knowledge, functional studies have not been reported for this variant. This variant has not been reported in individuals affected with ATP7B-related disorders in the literature. This variant has been identified in 2/249588 chromosomes in the general population by the Genome Aggregation Database (gnomAD). The available evidence is insufficient to determine the role of this variant in disease conclusively. Therefore, this variant is classified as a Variant of Uncertain Significance.

NM_000053.4(ATP7B):c.3440T>G (p.Leu1147Arg)

Gene: ATP7B (ATPase copper transporting beta; minus strand). Cytogenetic location: 13q14.3.
Variant type: single nucleotide variant.
Coding change: c.3440T>G on transcript NM_000053.4 (MANE Select); coding-DNA position 3440, T replaced by G.
Protein change: p.Leu1147Arg; replaces leucine 1147 with arginine.
Molecular consequence: missense variant. On other transcripts: intron variant (2).
Genome position (GRCh38, 1-based): chr13:51,941,197, A>C on the plus strand (T>G on the coding strand, the complement: ATP7B is on the minus strand). VCF-style: chr13-51941197-A-C. GRCh37 (hg19) VCF-style: chr13-52515333-A-C.
Other names: c.3200T>G, p.Leu1067Arg (NM_001406530.1); c.3188T>G, p.Leu1063Arg (NM_001406531.1, NM_001406532.1, NM_001330579.2); c.3152T>G, p.Leu1051Arg (NM_001406534.1); c.2993T>G, p.Leu998Arg (NM_001406540.1); c.2954T>G, p.Leu985Arg (NM_001406541.1, NM_001406542.1); c.2858T>G, p.Leu953Arg (NM_001406544.1); c.3110T>G, p.Leu1037Arg (NM_001406535.1, NM_001406536.1); c.3101T>G, p.Leu1034Arg (NM_001406537.1); and 20 more; short protein forms L1004R, L1034R, L1036R, L1037R, L1051R, L1063R, L1067R, L1069R.
Identifiers: ClinVar variation 4758014 (VCV004758014.1).